The following is an entry in ClinVar:

ClinVar aggregate classification (germline): Pathogenic. Review status: criteria provided, multiple submitters, no conflicts (2 of 4 stars). 6 submissions from 6 submitters: Pathogenic (5). 1 of the submissions does not count toward it. Last evaluated 2024-02-02.

Conditions:
XPC-related disorder. Also called: XPC-related condition.
Xeroderma pigmentosum (XP). Identifiers: Orphanet 910, MedGen C0043346, MONDO:0019600.
Xeroderma pigmentosum, group C (XPC). Also called: Xeroderma pigmentosum, complementation group C; XPC-Related Xeroderma Pigmentosum; XERODERMA PIGMENTOSUM III; XP, GROUP C. Identifiers: Orphanet 910, MedGen C2752147, MONDO:0010211, OMIM 278720.

Allele frequency attached by ClinVar (database versions not stated): gnomAD 0.00003.
gnomAD v4.1: 12 of 1,613,038 alleles (0.00074%); highest among the groups gnomAD compares: African/African-American, 0.0027%; no homozygotes.

Submissions (6):

Baylor Genetics
Classification: Pathogenic for Xeroderma pigmentosum, group C. Last evaluated: 2024-02-02. Review status: criteria provided, single submitter. Criteria: ACMG Guidelines, 2015. Collection method: clinical testing. Allele origin: unknown.

Labcorp Genetics (formerly Invitae), Labcorp
Classification: Pathogenic. Last evaluated: 2023-10-22. Review status: criteria provided, single submitter. Criteria: Invitae Variant Classification Sherloc (09022015). Collection method: clinical testing. Allele origin: germline.
Comment: This sequence change affects an acceptor splice site in intron 5 of the XPC gene. RNA analysis indicates that disruption of this splice site induces altered splicing and may result in an absent or disrupted protein product. This variant is present in population databases (rs201940931, gnomAD 0.004%). Disruption of this splice site has been observed in individual(s) with xeroderma pigmentosum (PMID: 16081512, 17079196). In at least one individual the data is consistent with being in trans (on the opposite chromosome) from a pathogenic variant. ClinVar contains an entry for this variant (Variation ID: 190209). Studies have shown that disruption of this splice site alters XPC gene expression (PMID: 16081512). Studies have shown that disruption of this splice site results in 83 bp insertion of intron 5 and introduces a premature termination codon (PMID: 16081512). The resulting mRNA is expected to undergo nonsense-mediated decay. For these reasons, this variant has been classified as Pathogenic.

Blueprint Genetics
Classification: Pathogenic for XPC-related disorders. Last evaluated: 2021-06-01. Review status: criteria provided, single submitter. Criteria: ACMG Guidelines, 2015. Collection method: clinical testing. Allele origin: germline. Affected: yes. Observed: 1 variant allele.

Women's Health and Genetics/Laboratory Corporation of America, LabCorp
Classification: Pathogenic for Xeroderma pigmentosum. Last evaluated: 2020-01-10. Review status: criteria provided, single submitter. Criteria: LabCorp Variant Classification Summary - May 2015. Collection method: clinical testing. Allele origin: germline.
Comment: Variant summary: XPC c.622-2A>C is located in a canonical splice-site and is predicted to affect mRNA splicing resulting in a significantly altered protein due to either exon skipping, shortening, or inclusion of intronic material. Several computational tools predict a significant impact on normal splicing: five predict the variant abolishes a 3' acceptor site. This prediction was confirmed by experimental evidence, demonstrating that this variant affects mRNA splicing (Khan_2006). The variant allele was found at a frequency of 1.2e-05 in 247456 control chromosomes (gnomAD). c.622-2A>C has been reported in the literature in individuals affected with Xeroderma pigmentosum (Khan_2006, Rivera-Begeman_2007). These data indicate that the variant may be associated with disease. Publications reported that this variant results in altered mRNA (Khan_2006), decreased mRNA levels (Rivera-Begeman_2007) and the absence of the encoded protein (Khan_2006). One clinical diagnostic laboratory has submitted clinical-significance assessments for this variant to ClinVar after 2014 without evidence for independent evaluation and classified the variant as pathogenic. Based on the evidence outlined above, the variant was classified as pathogenic.

Claritas Genomics
Classification: Pathogenic for Xeroderma pigmentosum, group C. Last evaluated: 2010-07-03. Review status: criteria provided, single submitter. Criteria: ACMG Guidelines, 2007. Collection method: clinical testing. Allele origin: germline. Inheritance: Autosomal recessive inheritance.

Counsyl
Classification: Pathogenic for Xeroderma pigmentosum, group C. Last evaluated: 2017-12-05. Review status: no assertion criteria provided. Collection method: clinical testing. Allele origin: unknown. Not counted in ClinVar's aggregate classification.

Literature cited by the submitters: PubMed 16081512 (cited by 3 submitters); PubMed 17079196 (cited by 3 submitters).

NM_004628.5(XPC):c.622-2A>C

Gene: XPC (XPC complex subunit, DNA damage recognition and repair factor; minus strand). Cytogenetic location: 3p25.1.
Variant type: single nucleotide variant.
Coding change: c.622-2A>C on transcript NM_004628.5 (MANE Select); the canonical splice acceptor site of the intron before coding-DNA position 622, A replaced by C.
Molecular consequence: splice acceptor variant.
Genome position (GRCh38, 1-based): chr3:14,165,587, T>G on the plus strand (A>C on the coding strand, the complement: XPC is on the minus strand). VCF-style: chr3-14165587-T-G. GRCh37 (hg19) VCF-style: chr3-14207087-T-G.
Other names: c.604-2A>C (NM_001354729.2); c.43-2A>C (NM_001354726.2); c.622-2A>C (NM_001354730.2, NM_001354727.2).
Identifiers: ClinVar variation 190209 (VCV000190209.14), dbSNP rs201940931, ClinGen allele CA274753.
Genomic context (GRCh38, chr3:14,165,587, plus strand): 5'-GGCTGGCTGCAGATGTTATTTCGATAGAAGCCATTTGCTAGCAGGCAGAGAAGGTGAACC[T>G]GTGAAGAGGAAAGGAGGAAGGGGCAGCATGGAAGGAAGGCCGGACACCAGGAGGAATTTT-3'